The following is an entry in ClinVar:

ClinVar aggregate classification (germline): Uncertain significance (1 of 4 stars; one submission).

Allele frequency attached by ClinVar (database versions not stated): gnomAD exomes below 0.00001; TOPMed 0.00001.
gnomAD v4.1: 3 of 1,610,290 alleles (0.00019%); highest among the groups gnomAD compares: African/African-American, 0.004%; no homozygotes.

Submission:

Labcorp Genetics (formerly Invitae), Labcorp
Classification: Uncertain significance. Last evaluated: 2022-06-25. Review status: criteria provided, single submitter. Criteria: Invitae Variant Classification Sherloc (09022015). Collection method: clinical testing. Allele origin: germline.
Comment: This sequence change affects codon 574 of the ENPP1 mRNA. It is a 'silent' change, meaning that it does not change the encoded amino acid sequence of the ENPP1 protein. It affects a nucleotide within the consensus splice site. This variant is not present in population databases (gnomAD no frequency). This variant has not been reported in the literature in individuals affected with ENPP1-related conditions. Algorithms developed to predict the effect of sequence changes on RNA splicing suggest that this variant is not likely to affect RNA splicing. In summary, the available evidence is currently insufficient to determine the role of this variant in disease. Therefore, it has been classified as a Variant of Uncertain Significance.

NM_006208.3(ENPP1):c.1722T>C (p.Cys574=)

Gene: ENPP1 (ectonucleotide pyrophosphatase/phosphodiesterase 1; plus strand). Cytogenetic location: 6q23.2.
Variant type: single nucleotide variant.
Coding change: c.1722T>C on transcript NM_006208.3 (MANE Select); coding-DNA position 1722, T replaced by C.
Protein change: p.Cys574=; no amino-acid change (cysteine 574 retained).
Molecular consequence: synonymous variant.
Genome position (GRCh38, 1-based): chr6:131,875,862, T>C. VCF-style: chr6-131875862-T-C. GRCh37 (hg19) VCF-style: chr6-132197002-T-C.
Identifiers: ClinVar variation 2035103 (VCV002035103.4), dbSNP rs1782225291, ClinGen allele CA452156781.